The following is an entry in ClinVar:

NM_024685.4(BBS10):c.655G>A (p.Val219Ile)

Gene: BBS10 (Bardet-Biedl syndrome 10; minus strand). Cytogenetic location: 12q21.2.
Variant type: single nucleotide variant.
Coding change: c.655G>A on transcript NM_024685.4 (MANE Select); coding-DNA position 655, G replaced by A.
Protein change: p.Val219Ile; replaces valine 219 with isoleucine.
Molecular consequence: missense variant.
Genome position (GRCh38, 1-based): chr12:76,347,330, C>T on the plus strand (G>A on the coding strand, the complement: BBS10 is on the minus strand). VCF-style: chr12-76347330-C-T. GRCh37 (hg19) VCF-style: chr12-76741110-C-T.
Other names: short protein forms V219I.
Identifiers: ClinVar variation 2415336 (VCV002415336.4), dbSNP rs557802902, ClinGen allele CA6694306.

ClinVar aggregate classification (germline): Uncertain significance. Review status: criteria provided, multiple submitters, no conflicts (2 of 4 stars). 2 submissions from 2 submitters: Uncertain significance (2). Last evaluated 2024-05-06.

Conditions:
Bardet-Biedl syndrome (BBS). Identifiers: Orphanet 110, MedGen C0752166, MONDO:0015229.
Bardet-Biedl syndrome 10 (BBS10). Identifiers: Orphanet 110, MedGen C1859568, MONDO:0014438, OMIM 615987.

Allele frequency attached by ClinVar (database versions not stated): gnomAD 0.00001; ExAC 0.00002; 1000 Genomes Project 0.00020; 1000 Genomes Project 30x 0.00031.

Submissions (2):

Fulgent Genetics
Classification: Uncertain significance for Bardet-Biedl syndrome 10. Last evaluated: 2024-05-06. Review status: criteria provided, single submitter. Criteria: ACMG Guidelines, 2015. Collection method: clinical testing. Allele origin: germline.

Labcorp Genetics (formerly Invitae), Labcorp
Classification: Uncertain significance for Bardet-Biedl syndrome. Last evaluated: 2021-09-01. Review status: criteria provided, single submitter. Criteria: Invitae Variant Classification Sherloc (09022015). Collection method: clinical testing. Allele origin: germline.
Comment: This sequence change replaces valine with isoleucine at codon 219 of the BBS10 protein (p.Val219Ile). The valine residue is moderately conserved and there is a small physicochemical difference between valine and isoleucine. This variant is present in population databases (rs557802902, ExAC 0.01%). This variant has not been reported in the literature in individuals affected with BBS10-related conditions. Algorithms developed to predict the effect of missense changes on protein structure and function output the following: SIFT: "Tolerated"; PolyPhen-2: "Benign"; Align-GVGD: "Class C0". The isoleucine amino acid residue is found in multiple mammalian species, which suggests that this missense change does not adversely affect protein function. In summary, the available evidence is currently insufficient to determine the role of this variant in disease. Therefore, it has been classified as a Variant of Uncertain Significance.